The following is an entry in ClinVar:

ClinVar aggregate classification (germline): Likely benign (1 of 4 stars; one submission).

Conditions:
BBS1-related disorder. Also called: BBS1-related condition.

Submission:

PreventionGenetics, part of Exact Sciences
Classification: Likely benign for BBS1-related condition. Last evaluated: 2025-09-10. Review status: criteria provided, single submitter. Criteria: ACMG Guidelines, 2015. Collection method: clinical testing. Allele origin: germline.
Comment: This variant is classified as likely benign based on ACMG/AMP sequence variant interpretation guidelines (Richards et al. 2015 PMID: 25741868, with internal and published modifications).

NM_024649.5(BBS1):c.513A>T (p.Ser171=)

Gene: BBS1 (Bardet-Biedl syndrome 1; plus strand). Cytogenetic location: 11q13.2.
Variant type: single nucleotide variant.
Coding change: c.513A>T on transcript NM_024649.5 (MANE Select); coding-DNA position 513, A replaced by T.
Protein change: p.Ser171=; no amino-acid change (serine 171 retained).
Molecular consequence: synonymous variant.
Genome position (GRCh38, 1-based): chr11:66,515,726, A>T. VCF-style: chr11-66515726-A-T. GRCh37 (hg19) VCF-style: chr11-66283197-A-T.
Identifiers: ClinVar variation 4996395 (VCV004996395.1).